The following is an entry in ClinVar:

NM_003126.4(SPTA1):c.812+3A>G

Gene: SPTA1 (spectrin alpha, erythrocytic 1; minus strand). Cytogenetic location: 1q23.1.
Variant type: single nucleotide variant.
Coding change: c.812+3A>G on transcript NM_003126.4 (MANE Select); 3 bases into the intron after coding-DNA position 812, A replaced by G.
Molecular consequence: intron variant.
Genome position (GRCh38, 1-based): chr1:158,678,398, T>C on the plus strand (A>G on the coding strand, the complement: SPTA1 is on the minus strand). VCF-style: chr1-158678398-T-C. GRCh37 (hg19) VCF-style: chr1-158648188-T-C.
Other names: p.?.
Identifiers: ClinVar variation 4683664 (VCV004683664.1).

ClinVar aggregate classification (germline): Likely benign (1 of 4 stars; one submission).

gnomAD v4.1: 33 of 1,613,466 alleles (0.002%); highest among the groups gnomAD compares: Non-Finnish European, 0.0025%; no homozygotes.

Submission:

Mayo Clinic Laboratories, Mayo Clinic
Classification: Likely benign. Last evaluated: 2025-05-30. Review status: criteria provided, single submitter. Criteria: ACMG Guidelines, 2015. Collection method: clinical testing. Allele origin: germline. Observed: 1 variant allele.
Comment: BP4, BP7